The following is an entry in ClinVar:

NM_000275.3(OCA2):c.2297C>T (p.Pro766Leu)

Gene: OCA2 (OCA2 melanosomal transmembrane protein; minus strand). Cytogenetic location: 15q13.1.
Variant type: single nucleotide variant.
Coding change: c.2297C>T on transcript NM_000275.3 (MANE Select); coding-DNA position 2297, C replaced by T.
Protein change: p.Pro766Leu; replaces proline 766 with leucine.
Molecular consequence: missense variant.
Genome position (GRCh38, 1-based): chr15:27,851,423, G>A on the plus strand (C>T on the coding strand, the complement: OCA2 is on the minus strand). VCF-style: chr15-27851423-G-A. GRCh37 (hg19) VCF-style: chr15-28096569-G-A.
Other names: c.2225C>T, p.Pro742Leu (NM_001300984.2); short protein forms P742L, P766L.
Identifiers: ClinVar variation 1380592 (VCV001380592.3), dbSNP rs563235254, ClinGen allele CA7438649.

ClinVar aggregate classification (germline): Uncertain significance (1 of 4 stars; one submission).

Allele frequency attached by ClinVar (database versions not stated): gnomAD 0.00007; gnomAD exomes 0.00007 and 0.00005; TOPMed 0.00001; ExAC 0.00007.
gnomAD v4.1: 112 of 1,613,822 alleles (0.0069%); highest among the groups gnomAD compares: African/African-American, 0.008%; no homozygotes.

Submission:

Labcorp Genetics (formerly Invitae), Labcorp
Classification: Uncertain significance. Last evaluated: 2021-11-06. Review status: criteria provided, single submitter. Criteria: Invitae Variant Classification Sherloc (09022015). Collection method: clinical testing. Allele origin: germline.
Comment: This sequence change replaces proline, which is neutral and non-polar, with leucine, which is neutral and non-polar, at codon 766 of the OCA2 protein (p.Pro766Leu). This variant is present in population databases (rs563235254, gnomAD 0.02%). This variant has not been reported in the literature in individuals affected with OCA2-related conditions. Advanced modeling of protein sequence and biophysical properties (such as structural, functional, and spatial information, amino acid conservation, physicochemical variation, residue mobility, and thermodynamic stability) performed at Invitae indicates that this missense variant is not expected to disrupt OCA2 protein function. In summary, the available evidence is currently insufficient to determine the role of this variant in disease. Therefore, it has been classified as a Variant of Uncertain Significance.